The following is an entry in ClinVar:

NM_024079.5(ALG8):c.1511C>G (p.Thr504Arg)

Gene: ALG8 (ALG8 alpha-1,3-glucosyltransferase; minus strand). Cytogenetic location: 11q14.1.
Variant type: single nucleotide variant.
Coding change: c.1511C>G on transcript NM_024079.5 (MANE Select); coding-DNA position 1511, C replaced by G.
Protein change: p.Thr504Arg; replaces threonine 504 with arginine.
Molecular consequence: missense variant. On other transcripts: 3 prime UTR variant (1).
Genome position (GRCh38, 1-based): chr11:78,101,034, G>C on the plus strand (C>G on the coding strand, the complement: ALG8 is on the minus strand). VCF-style: chr11-78101034-G-C. GRCh37 (hg19) VCF-style: chr11-77812080-G-C.
Other names: c.*182C>G (NM_001007027.3); short protein forms T504R.
Identifiers: ClinVar variation 1329945 (VCV001329945.3), dbSNP rs2136868362, ClinGen allele CA382109375.
Genomic context (GRCh38, chr11:78,101,034, plus strand): 5'-TTTGTCTTGCCAATAGCAGAGTCAATCAATACTGAAACATACAGTTTGAACCAAGCATAT[G>C]TGATGCCTACTGCACAATACACTGAGGTTAGTAACAAAGGGATGAAGGGGTACTTCACCT-3'
Protein context (NP_076984.2, residues 494-514): LTSVYCAVGI[Thr504Arg]YAWFKLYVSV

ClinVar aggregate classification (germline): Uncertain significance (1 of 4 stars; one submission).

Conditions:
ALG8 congenital disorder of glycosylation. Also called: CONGENITAL DISORDER OF GLYCOSYLATION, TYPE Ih; CDG Ih; ALG8-CDG. Identifiers: Orphanet 79325, MedGen C2931002, MONDO:0011969, OMIM 608104.

Submission:

Institute of Human Genetics, University of Leipzig Medical Center
Classification: Uncertain significance for ALG8 congenital disorder of glycosylation. Last evaluated: 2021-12-09. Review status: criteria provided, single submitter. Criteria: ACMG Guidelines, 2015. Collection method: clinical testing. Allele origin: unknown. Inheritance: Autosomal recessive inheritance. Affected: yes.
Comment: Criteria applied: PM2_SUP, PM3_SUP, PP3